The following is an entry in ClinVar:

ClinVar aggregate classification (germline): Likely benign. Review status: criteria provided, multiple submitters, no conflicts (2 of 4 stars). 3 submissions from 3 submitters: Likely benign (3). Last evaluated 2024-03-01.

Conditions:
Inborn genetic diseases. Identifiers: MedGen C0950123, MeSH D030342.
Cowden syndrome 6 (CWS6). Identifiers: Orphanet 201, MedGen C3554519, MONDO:0014048, OMIM 615109.

Allele frequency attached by ClinVar (database versions not stated): gnomAD 0.00002 and 0.00003; gnomAD exomes 0.00003; TOPMed 0.00005; ExAC 0.00007.
gnomAD v4.1: 53 of 1,611,696 alleles (0.0033%); highest among the groups gnomAD compares: Non-Finnish European, 0.004%; no homozygotes.

Submissions (3):

CeGaT Center for Human Genetics Tuebingen
Classification: Likely benign. Last evaluated: 2024-03-01. Review status: criteria provided, single submitter. Criteria: CeGaT Center For Human Genetics Tuebingen Variant Classification Criteria Version 2. Collection method: clinical testing. Allele origin: germline. Affected: yes. Observed: 2 variant alleles.
Comment: AKT1: BP4, BP7

Labcorp Genetics (formerly Invitae), Labcorp
Classification: Likely benign for Cowden syndrome 6. Last evaluated: 2023-06-04. Review status: criteria provided, single submitter. Criteria: Invitae Variant Classification Sherloc (09022015). Collection method: clinical testing. Allele origin: germline.

Ambry Genetics
Classification: Likely benign for Inborn genetic diseases. Last evaluated: 2022-04-02. Review status: criteria provided, single submitter. Criteria: Ambry Variant Classification Scheme 2023. Collection method: clinical testing. Allele origin: germline.

NM_001382430.1(AKT1):c.687C>T (p.Tyr229=)

Gene: AKT1 (AKT serine/threonine kinase 1; minus strand). Cytogenetic location: 14q32.33.
Variant type: single nucleotide variant.
Coding change: c.687C>T on transcript NM_001382430.1 (MANE Select); coding-DNA position 687, C replaced by T.
Protein change: p.Tyr229=; no amino-acid change (tyrosine 229 retained).
Molecular consequence: synonymous variant.
Genome position (GRCh38, 1-based): chr14:104,773,927, G>A on the plus strand (C>T on the coding strand, the complement: AKT1 is on the minus strand). VCF-style: chr14-104773927-G-A. GRCh37 (hg19) VCF-style: chr14-105240264-G-A.
Other names: c.687C>T, p.Tyr229= (NM_001014431.2, NM_001014432.2, NM_001382431.1 and 3 more transcripts).
Identifiers: ClinVar variation 473859 (VCV000473859.38), dbSNP rs769696222, ClinGen allele CA7374696.